The following is an entry in ClinVar:

NM_001851.6(COL9A1):c.1812C>T (p.Gly604=)

Gene: COL9A1 (collagen type IX alpha 1 chain; minus strand). Cytogenetic location: 6q13.
Variant type: single nucleotide variant.
Coding change: c.1812C>T on transcript NM_001851.6 (MANE Select); coding-DNA position 1812, C replaced by T.
Protein change: p.Gly604=; no amino-acid change (glycine 604 retained).
Molecular consequence: synonymous variant. On other transcripts: non-coding transcript variant (1).
Genome position (GRCh38, 1-based): chr6:70,252,268, G>A on the plus strand (C>T on the coding strand, the complement: COL9A1 is on the minus strand). VCF-style: chr6-70252268-G-A. GRCh37 (hg19) VCF-style: chr6-70961971-G-A.
Other names: c.1113C>T, p.Gly371= (NM_001377289.1); c.1083C>T, p.Gly361= (NM_001377290.1, NM_078485.4).
Identifiers: ClinVar variation 2086542 (VCV002086542.4), dbSNP rs2483299451, ClinGen allele CA450717243.

ClinVar aggregate classification (germline): Uncertain significance (1 of 4 stars; one submission).

gnomAD v4.1: 1 of 1,614,172 alleles (0.000062%); highest among the groups gnomAD compares: Non-Finnish European, 0.000085%; no homozygotes.

Submission:

Labcorp Genetics (formerly Invitae), Labcorp
Classification: Uncertain significance. Last evaluated: 2022-01-16. Review status: criteria provided, single submitter. Criteria: Invitae Variant Classification Sherloc (09022015). Collection method: clinical testing. Allele origin: germline.
Comment: In summary, the available evidence is currently insufficient to determine the role of this variant in disease. Therefore, it has been classified as a Variant of Uncertain Significance. Algorithms developed to predict the effect of sequence changes on RNA splicing suggest that this variant may create or strengthen a splice site. This variant has not been reported in the literature in individuals affected with COL9A1-related conditions. This variant is not present in population databases (gnomAD no frequency). This sequence change affects codon 604 of the COL9A1 mRNA. It is a 'silent' change, meaning that it does not change the encoded amino acid sequence of the COL9A1 protein.